The following is an entry in ClinVar:

ClinVar aggregate classification (germline): Uncertain significance (1 of 4 stars; one submission).

Submission:

Labcorp Genetics (formerly Invitae), Labcorp
Classification: Uncertain significance. Last evaluated: 2023-06-28. Review status: criteria provided, single submitter. Criteria: Invitae Variant Classification Sherloc (09022015). Collection method: clinical testing. Allele origin: germline.
Comment: In summary, the available evidence is currently insufficient to determine the role of this variant in disease. Therefore, it has been classified as a Variant of Uncertain Significance. An algorithm developed to predict the effect of missense changes on protein structure and function (PolyPhen-2) suggests that this variant is likely to be disruptive. This variant has not been reported in the literature in individuals affected with HYOU1-related conditions. This variant is not present in population databases (gnomAD no frequency). This sequence change replaces leucine, which is neutral and non-polar, with proline, which is neutral and non-polar, at codon 33 of the HYOU1 protein (p.Leu33Pro).

NM_006389.5(HYOU1):c.98T>C (p.Leu33Pro)

Gene: HYOU1 (hypoxia up-regulated 1; minus strand). Cytogenetic location: 11q23.3.
Variant type: single nucleotide variant.
Coding change: c.98T>C on transcript NM_006389.5 (MANE Select); coding-DNA position 98, T replaced by C.
Protein change: p.Leu33Pro; replaces leucine 33 with proline.
Molecular consequence: missense variant.
Genome position (GRCh38, 1-based): chr11:119,055,837, A>G on the plus strand (T>C on the coding strand, the complement: HYOU1 is on the minus strand). VCF-style: chr11-119055837-A-G.
Other names: c.98T>C, p.Leu33Pro (NM_001130991.3, NM_001411041.1); short protein forms L33P.
Identifiers: ClinVar variation 2846299 (VCV002846299.3), dbSNP rs2497212627, ClinGen allele CA382954926.